The following is an entry in ClinVar:

ClinVar aggregate classification (germline): Pathogenic (1 of 4 stars; one submission).

Conditions:
Marfan syndrome (MFS). Also called: MARFAN SYNDROME, TYPE I; Marfan syndrome type 1; Marfan's syndrome; Marfan syndrome, classic; FBN1-Related Marfan Syndrome. Identifiers: Orphanet 284963, Orphanet 558, MedGen C0024796, MONDO:0007947, OMIM 154700.
Familial thoracic aortic aneurysm and aortic dissection (TAAD). Also called: Thoracic aortic aneurysms and dissections. Identifiers: Orphanet 91387, MedGen C4707243, MONDO:0019625.

Submission:

Labcorp Genetics (formerly Invitae), Labcorp
Classification: Pathogenic for Marfan syndrome; Familial thoracic aortic aneurysm and aortic dissection. Last evaluated: 2024-01-20. Review status: criteria provided, single submitter. Criteria: Invitae Variant Classification Sherloc (09022015). Collection method: clinical testing. Allele origin: germline.
Comment: This sequence change replaces cysteine, which is neutral and slightly polar, with arginine, which is basic and polar, at codon 2307 of the FBN1 protein (p.Cys2307Arg). This variant is not present in population databases (gnomAD no frequency). This missense change has been observed in individual(s) with FBN1-related conditions (PMID: 19293843, 26272055). Advanced modeling of protein sequence and biophysical properties (such as structural, functional, and spatial information, amino acid conservation, physicochemical variation, residue mobility, and thermodynamic stability) performed at Invitae indicates that this missense variant is expected to disrupt FBN1 protein function with a positive predictive value of 95%. This variant affects a cysteine residue in the EGF-like, TGFBP or hybrid motif domains of FBN1. Cysteine residues are believed to be involved in intramolecular disulfide bridges and have been shown to be important for FBN1 protein structure (PMID: 16905551, 19349279). In addition, missense substitutions affecting cysteine residues within these domains are significantly overrepresented among patients with Marfan syndrome (PMID: 16571647, 17701892). For these reasons, this variant has been classified as Pathogenic.

Literature cited by the submitters: PubMed 19293843; PubMed 26272055; PubMed 16905551; PubMed 19349279; PubMed 16571647; PubMed 17701892.

NM_000138.5(FBN1):c.6919T>C (p.Cys2307Arg)

Gene: FBN1 (fibrillin 1; minus strand). Cytogenetic location: 15q21.1.
Variant type: single nucleotide variant.
Coding change: c.6919T>C on transcript NM_000138.5 (MANE Select); coding-DNA position 6919, T replaced by C.
Protein change: p.Cys2307Arg; replaces cysteine 2307 with arginine.
Molecular consequence: missense variant.
Genome position (GRCh38, 1-based): chr15:48,428,424, A>G on the plus strand (T>C on the coding strand, the complement: FBN1 is on the minus strand). VCF-style: chr15-48428424-A-G. GRCh37 (hg19) VCF-style: chr15-48720621-A-G.
Other names: c.6919T>C, p.Cys2307Arg (NM_001406716.1); short protein forms C2307R.
Identifiers: ClinVar variation 2925534 (VCV002925534.3), dbSNP rs2505415290, ClinGen allele CA392330743.